The following is an entry in ClinVar:

ClinVar aggregate classification (germline): Uncertain significance. Review status: criteria provided, multiple submitters, no conflicts (2 of 4 stars). 2 submissions from 2 submitters: Uncertain significance (2). Last evaluated 2024-05-26.

Conditions:
Inborn genetic diseases. Identifiers: MedGen C0950123, MeSH D030342.

Allele frequency attached by ClinVar (database versions not stated): gnomAD exomes 0.00002; TOPMed 0.00004.
gnomAD v4.1: 36 of 1,544,272 alleles (0.0023%); highest among the groups gnomAD compares: African/African-American, 0.0096%; no homozygotes.

Submissions (2):

Ambry Genetics
Classification: Uncertain significance for Inborn genetic diseases. Last evaluated: 2024-05-26. Review status: criteria provided, single submitter. Criteria: Ambry Variant Classification Scheme 2023. Collection method: clinical testing. Allele origin: germline.

Labcorp Genetics (formerly Invitae), Labcorp
Classification: Uncertain significance. Last evaluated: 2022-09-06. Review status: criteria provided, single submitter. Criteria: Invitae Variant Classification Sherloc (09022015). Collection method: clinical testing. Allele origin: germline.
Comment: This sequence change replaces glutamic acid, which is acidic and polar, with lysine, which is basic and polar, at codon 1997 of the EYS protein (p.Glu1997Lys). This variant is present in population databases (no rsID available, gnomAD 0.001%). This variant has not been reported in the literature in individuals affected with EYS-related conditions. Algorithms developed to predict the effect of missense changes on protein structure and function output the following: SIFT: "Tolerated"; PolyPhen-2: "Benign"; Align-GVGD: "Class C0". The lysine amino acid residue is found in multiple mammalian species, which suggests that this missense change does not adversely affect protein function. In summary, the available evidence is currently insufficient to determine the role of this variant in disease. Therefore, it has been classified as a Variant of Uncertain Significance.

NM_001142800.2(EYS):c.5989G>A (p.Glu1997Lys)

Gene: EYS (eyes shut homolog; minus strand). Cytogenetic location: 6q12.
Variant type: single nucleotide variant.
Coding change: c.5989G>A on transcript NM_001142800.2 (MANE Select); coding-DNA position 5989, G replaced by A.
Protein change: p.Glu1997Lys; replaces glutamic acid 1997 with lysine.
Molecular consequence: missense variant.
Genome position (GRCh38, 1-based): chr6:64,388,779, C>T on the plus strand (G>A on the coding strand, the complement: EYS is on the minus strand). VCF-style: chr6-64388779-C-T. GRCh37 (hg19) VCF-style: chr6-65098672-C-T.
Other names: c.5989G>A (NM_001142800.1); c.5989G>A, p.Glu1997Lys (NM_001292009.2); short protein forms E1997K.
Identifiers: ClinVar variation 2164462 (VCV002164462.2), dbSNP rs1039263026, ClinGen allele CA140315871.